The following is an entry in ClinVar:

NM_015192.4(PLCB1):c.2623C>T (p.Pro875Ser)

Gene: PLCB1 (phospholipase C beta 1; plus strand). Cytogenetic location: 20p12.3.
Variant type: single nucleotide variant.
Coding change: c.2623C>T on transcript NM_015192.4 (MANE Select); coding-DNA position 2623, C replaced by T.
Protein change: p.Pro875Ser; replaces proline 875 with serine.
Molecular consequence: missense variant.
Genome position (GRCh38, 1-based): chr20:8,757,145, C>T. VCF-style: chr20-8757145-C-T. GRCh37 (hg19) VCF-style: chr20-8737792-C-T.
Other names: c.2623C>T, p.Pro875Ser (NM_182734.3); short protein forms P875S.
Identifiers: ClinVar variation 588164 (VCV000588164.8), dbSNP rs1568586909, ClinGen allele CA408207327.

ClinVar aggregate classification (germline): Uncertain significance. Review status: criteria provided, multiple submitters, no conflicts (2 of 4 stars). 2 submissions from 2 submitters: Uncertain significance (2). Last evaluated 2024-04-01.

Conditions:
Inborn genetic diseases. Identifiers: MedGen C0950123, MeSH D030342.
Developmental and epileptic encephalopathy, 12 (DEE12). Identifiers: MedGen C3150988, MONDO:0013389, OMIM 613722.

Allele frequency attached by ClinVar (database versions not stated): gnomAD exomes below 0.00001.
gnomAD v4.1: 4 of 1,612,934 alleles (0.00025%); highest among the groups gnomAD compares: Non-Finnish European, 0.00034%; no homozygotes.

Submissions (2):

Labcorp Genetics (formerly Invitae), Labcorp
Classification: Uncertain significance for Developmental and epileptic encephalopathy, 12. Last evaluated: 2024-04-01. Review status: criteria provided, single submitter. Criteria: Invitae Variant Classification Sherloc (09022015). Collection method: clinical testing. Allele origin: germline.
Comment: This sequence change replaces proline, which is neutral and non-polar, with serine, which is neutral and polar, at codon 875 of the PLCB1 protein (p.Pro875Ser). This variant is not present in population databases (gnomAD no frequency). This variant has not been reported in the literature in individuals affected with PLCB1-related conditions. ClinVar contains an entry for this variant (Variation ID: 588164). An algorithm developed to predict the effect of missense changes on protein structure and function (PolyPhen-2) suggests that this variant is likely to be tolerated. In summary, the available evidence is currently insufficient to determine the role of this variant in disease. Therefore, it has been classified as a Variant of Uncertain Significance.

Ambry Genetics
Classification: Uncertain significance for Inborn genetic diseases. Last evaluated: 2016-08-17. Review status: criteria provided, single submitter. Criteria: Ambry Variant Classification Scheme 2023. Collection method: clinical testing. Allele origin: germline.
Comment: The p.P875S variant (also known as c.2623C>T), located in coding exon 24 of the PLCB1 gene, results from a C to T substitution at nucleotide position 2623. The proline at codon 875 is replaced by serine, an amino acid with similar properties. This variant was not reported in population based cohorts in the following databases: Database of Single Nucleotide Polymorphisms (dbSNP), NHLBI Exome Sequencing Project (ESP), and 1000 Genomes Project. In the ESP, this variant was not observed in 6503 samples (13006 alleles) with coverage at this position. This amino acid position is well conserved in available vertebrate species. In addition, this alteration is predicted to be tolerated by in silico analysis. Since supporting evidence is limited at this time, the clinical significance of this alteration remains unclear.